The following is an entry in ClinVar:

NM_020163.3(SEMA3G):c.1669C>T (p.Arg557Cys)

Gene: SEMA3G (semaphorin 3G; minus strand). Cytogenetic location: 3p21.1.
Variant type: single nucleotide variant.
Coding change: c.1669C>T on transcript NM_020163.3 (MANE Select); coding-DNA position 1669, C replaced by T.
Protein change: p.Arg557Cys; replaces arginine 557 with cysteine.
Molecular consequence: missense variant.
Genome position (GRCh38, 1-based): chr3:52,438,040, G>A on the plus strand (C>T on the coding strand, the complement: SEMA3G is on the minus strand). VCF-style: chr3-52438040-G-A. GRCh37 (hg19) VCF-style: chr3-52472056-G-A.
Other names: short protein forms R557C.
Identifiers: ClinVar variation 4984470 (VCV004984470.1).

ClinVar aggregate classification (germline): Uncertain significance (1 of 4 stars; one submission).

Conditions:
SEMA3G-related disorder. Also called: SEMA3G-related condition.

Submission:

PreventionGenetics, part of Exact Sciences
Classification: Uncertain significance for SEMA3G-related condition. Last evaluated: 2024-11-01. Review status: criteria provided, single submitter. Criteria: ACMG Guidelines, 2015. Collection method: clinical testing. Allele origin: germline.
Comment: The SEMA3G c.1669C>T variant is predicted to result in the amino acid substitution p.Arg557Cys. To our knowledge, this variant has not been reported in the literature. This variant is reported in 0.024% of alleles in individuals of European (Finnish) descent in gnomAD. At this time, the clinical significance of this variant is uncertain due to the absence of conclusive functional and genetic evidence.